The following is an entry in ClinVar:

NM_004006.3(DMD):c.3198A>T (p.Glu1066Asp)

Gene: DMD (dystrophin; minus strand). Cytogenetic location: Xp21.1.
Variant type: single nucleotide variant.
Coding change: c.3198A>T on transcript NM_004006.3 (MANE Select); coding-DNA position 3198, A replaced by T.
Protein change: p.Glu1066Asp; replaces glutamic acid 1066 with aspartic acid.
Molecular consequence: missense variant.
Genome position (GRCh38, 1-based): chrX:32,464,664, T>A on the plus strand (A>T on the coding strand, the complement: DMD is on the minus strand). VCF-style: chrX-32464664-T-A. GRCh37 (hg19) VCF-style: chrX-32482781-T-A.
Other names: c.3174A>T, p.Glu1058Asp (NM_000109.4); c.3186A>T, p.Glu1062Asp (NM_004009.3); c.2829A>T, p.Glu943Asp (NM_004010.3); short protein forms E1058D, E1062D, E1066D, E943D.
Identifiers: ClinVar variation 1715023 (VCV001715023.6), dbSNP rs1334068605, ClinGen allele CA412665040.
Genomic context (GRCh38, chrX:32,464,664, plus strand): 5'-CTTTTTTAGAATTTCTGAATCCCCAAGGGCAGGCCATTCCTCCTTCAGAAAAACATCAAC[T>A]TCAGCCATCCATTTCTTCAGGGTTTGTATGTGATTCTGAAACGAGACCCGTTATAAGGCA-3'
Protein context (NP_003997.2, residues 1056-1076): HIQTLKKWMA[Glu1066Asp]VDVFLKEEWP

ClinVar aggregate classification (germline): Uncertain significance (1 of 4 stars; one submission).

Conditions:
Duchenne muscular dystrophy (DMD). Also called: MUSCULAR DYSTROPHY, PSEUDOHYPERTROPHIC PROGRESSIVE, DUCHENNE TYPE; Duchenne Muscular Dystrophy (DMD). Identifiers: Orphanet 98896, MedGen C0013264, MONDO:0010679, OMIM 310200.

Submission:

Labcorp Genetics (formerly Invitae), Labcorp
Classification: Uncertain significance for Duchenne muscular dystrophy. Last evaluated: 2024-05-01. Review status: criteria provided, single submitter. Criteria: Invitae Variant Classification Sherloc (09022015). Collection method: clinical testing. Allele origin: germline.
Comment: This sequence change replaces glutamic acid, which is acidic and polar, with aspartic acid, which is acidic and polar, at codon 1066 of the DMD protein (p.Glu1066Asp). This variant is not present in population databases (gnomAD no frequency). This variant has not been reported in the literature in individuals affected with DMD-related conditions. ClinVar contains an entry for this variant (Variation ID: 1715023). Advanced modeling of protein sequence and biophysical properties (such as structural, functional, and spatial information, amino acid conservation, physicochemical variation, residue mobility, and thermodynamic stability) performed at Invitae indicates that this missense variant is not expected to disrupt DMD protein function with a negative predictive value of 95%. In summary, the available evidence is currently insufficient to determine the role of this variant in disease. Therefore, it has been classified as a Variant of Uncertain Significance.